The following is an entry in ClinVar:

NM_000232.5(SGCB):c.59A>C (p.Lys20Thr)

Gene: SGCB (sarcoglycan beta; minus strand). Cytogenetic location: 4q12.
Variant type: single nucleotide variant.
Coding change: c.59A>C on transcript NM_000232.5 (MANE Select); coding-DNA position 59, A replaced by C.
Protein change: p.Lys20Thr; replaces lysine 20 with threonine.
Molecular consequence: missense variant.
Genome position (GRCh38, 1-based): chr4:52,033,615, T>G on the plus strand (A>C on the coding strand, the complement: SGCB is on the minus strand). VCF-style: chr4-52033615-T-G. GRCh37 (hg19) VCF-style: chr4-52899781-T-G.
Other names: short protein forms K20T.
Identifiers: ClinVar variation 1384632 (VCV001384632.6), dbSNP rs2109376098, ClinGen allele CA356878177.

ClinVar aggregate classification (germline): Uncertain significance (1 of 4 stars; one submission).

Conditions:
Autosomal recessive limb-girdle muscular dystrophy type 2E (LGMDR4). Also called: MUSCULAR DYSTROPHY, LIMB-GIRDLE, AUTOSOMAL RECESSIVE 4. Identifiers: Orphanet 119, MedGen C1858593, MONDO:0011423, OMIM 604286. Disease mechanism: Affects gamma-sarcoglycan and also disrupts the integrity of the entire sarcoglycan complex..

Submission:

Labcorp Genetics (formerly Invitae), Labcorp
Classification: Uncertain significance for Autosomal recessive limb-girdle muscular dystrophy type 2E. Last evaluated: 2021-10-05. Review status: criteria provided, single submitter. Criteria: Invitae Variant Classification Sherloc (09022015). Collection method: clinical testing. Allele origin: germline.
Comment: In summary, the available evidence is currently insufficient to determine the role of this variant in disease. Therefore, it has been classified as a Variant of Uncertain Significance. Algorithms developed to predict the effect of missense changes on protein structure and function (SIFT, PolyPhen-2, Align-GVGD) all suggest that this variant is likely to be tolerated. This variant has not been reported in the literature in individuals affected with SGCB-related conditions. This variant is not present in population databases (ExAC no frequency). This sequence change replaces lysine with threonine at codon 20 of the SGCB protein (p.Lys20Thr). The lysine residue is highly conserved and there is a moderate physicochemical difference between lysine and threonine.